The following is an entry in ClinVar:

NM_030624.3(KLHL15):c.788A>G (p.His263Arg)

Gene: KLHL15 (kelch like family member 15; minus strand). Cytogenetic location: Xp22.11.
Variant type: single nucleotide variant.
Coding change: c.788A>G on transcript NM_030624.3 (MANE Select); coding-DNA position 788, A replaced by G.
Protein change: p.His263Arg; replaces histidine 263 with arginine.
Molecular consequence: missense variant.
Genome position (GRCh38, 1-based): chrX:23,988,948, T>C on the plus strand (A>G on the coding strand, the complement: KLHL15 is on the minus strand). VCF-style: chrX-23988948-T-C. GRCh37 (hg19) VCF-style: chrX-24007065-T-C.
Other names: short protein forms H263R.
Identifiers: ClinVar variation 4987404 (VCV004987404.1).

ClinVar aggregate classification (germline): Uncertain significance (1 of 4 stars; one submission).

Conditions:
KLHL15-related disorder. Also called: KLHL15-related condition.

Submission:

PreventionGenetics, part of Exact Sciences
Classification: Uncertain significance for KLHL15-related condition. Last evaluated: 2025-09-28. Review status: criteria provided, single submitter. Criteria: ACMG Guidelines, 2015. Collection method: clinical testing. Allele origin: germline.
Comment: The KLHL15 c.788A>G variant is predicted to result in the amino acid substitution p.His263Arg. To our knowledge, this variant has not been reported in the literature or in a large population database (gnomAD), indicating this variant is rare. Although we suspect that this variant may be pathogenic, at this time, the clinical significance of this variant is uncertain due to the absence of conclusive functional and genetic evidence.